The following is an entry in ClinVar:

ClinVar aggregate classification (germline): Pathogenic (1 of 4 stars; one submission).

Submission:

Labcorp Genetics (formerly Invitae), Labcorp
Classification: Pathogenic. Last evaluated: 2025-02-03. Review status: criteria provided, single submitter. Criteria: Invitae Variant Classification Sherloc (09022015). Collection method: clinical testing. Allele origin: germline.
Comment: This sequence change creates a premature translational stop signal (p.Thr41Ilefs*5) in the GTF2H5 gene. While this is not anticipated to result in nonsense mediated decay, it is expected to disrupt the last 31 amino acid(s) of the GTF2H5 protein. This variant is present in population databases (rs761608353, gnomAD 0.002%). This variant has not been reported in the literature in individuals affected with GTF2H5-related conditions. This variant disrupts a region of the GTF2H5 protein in which other variant(s) (p.Arg56*) have been determined to be pathogenic (PMID: 15220921, 25620205). This suggests that this is a clinically significant region of the protein, and that variants that disrupt it are likely to be disease-causing. For these reasons, this variant has been classified as Pathogenic.

Literature cited by the submitters: PubMed 15220921; PubMed 25620205.

NM_207118.3(GTF2H5):c.122del (p.Thr41fs)

Gene: GTF2H5 (general transcription factor IIH subunit 5; plus strand). Cytogenetic location: 6q25.3.
Variant type: Deletion.
Coding change: c.122del on transcript NM_207118.3 (MANE Select); coding-DNA position 122, one base deleted (C; older notation c.122delC).
Protein change: p.Thr41fs; shifts the reading frame from threonine 41.
Molecular consequence: frameshift variant.
Genome position (GRCh38, 1-based): chr6:158,192,063, C deleted. VCF-style (leftmost placement, unchanged base first): chr6-158192062-AC-A. GRCh37 (hg19) VCF-style: chr6-158613094-AC-A.
Other names: short protein forms T41fs.
Identifiers: ClinVar variation 3689291 (VCV003689291.2).